The following is an entry in ClinVar:

NM_000082.4(ERCC8):c.174-12T>G

Gene: ERCC8 (ERCC excision repair 8, CSA ubiquitin ligase complex subunit; minus strand). Cytogenetic location: 5q12.1.
Variant type: single nucleotide variant.
Coding change: c.174-12T>G on transcript NM_000082.4 (MANE Select); 12 bases into the intron before coding-DNA position 174, T replaced by G.
Molecular consequence: intron variant.
Genome position (GRCh38, 1-based): chr5:60,922,167, A>C on the plus strand (T>G on the coding strand, the complement: ERCC8 is on the minus strand). VCF-style: chr5-60922167-A-C. GRCh37 (hg19) VCF-style: chr5-60217994-A-C.
Other names: c.-204-12T>G (NM_001290285.2); c.-1-12T>G (NM_001007233.3); c.174-12T>G (NM_001007234.3).
Identifiers: ClinVar variation 1964034 (VCV001964034.5), dbSNP rs2531839861, ClinGen allele CA2580073348.

ClinVar aggregate classification (germline): Uncertain significance (1 of 4 stars; one submission).

Submission:

Labcorp Genetics (formerly Invitae), Labcorp
Classification: Uncertain significance. Last evaluated: 2022-04-11. Review status: criteria provided, single submitter. Criteria: Invitae Variant Classification Sherloc (09022015). Collection method: clinical testing. Allele origin: germline.
Comment: This sequence change falls in intron 2 of the ERCC8 gene. It does not directly change the encoded amino acid sequence of the ERCC8 protein. This variant is not present in population databases (gnomAD no frequency). This variant has not been reported in the literature in individuals affected with ERCC8-related conditions. Algorithms developed to predict the effect of sequence changes on RNA splicing suggest that this variant may disrupt the consensus splice site. In summary, the available evidence is currently insufficient to determine the role of this variant in disease. Therefore, it has been classified as a Variant of Uncertain Significance.